The following is an entry in ClinVar:

NM_001291867.2(NHS):c.4370GAA[1] (p.Arg1458del)

Gene: NHS (NHS actin remodeling regulator; plus strand). Cytogenetic location: Xp22.13.
Variant type: Microsatellite.
Coding change: c.4370GAA[1] on transcript NM_001291867.2 (MANE Select); one copy of the 3-base unit GAA starting at c.4370; the reference has two copies in a row; one copy, 3 bases deleted.
Protein change: p.Arg1458del; deletes arginine 1458.
Genome position (GRCh38, 1-based): chrX:17,731,881-17,731,883, GAA deleted; deleting any 3 consecutive bases within chrX:17,731,878-17,731,883 gives the same sequence; the position shown is the placement nearest the transcript's 3' end. VCF-style (leftmost placement, unchanged base first): chrX-17731877-GGAA-G. GRCh37 (hg19) VCF-style: chrX-17749997-GGAA-G.
Other names: c.3839GAA[1], p.Arg1281del (NM_001136024.4); c.3776GAA[1], p.Arg1260del (NM_001291868.2); c.4307GAA[1], p.Arg1437del (NM_198270.4); short protein forms R1260del, R1281del, R1437del, R1458del.
Identifiers: ClinVar variation 3359366 (VCV003359366.1).
Genomic context (GRCh38, chrX:17,731,877, plus strand): 5'-ACTGAGTGAGATGTTTGCCCCATTTTCTCCTTTTCTCAAAGATCCAAGAGGAAAGTACTT[GGAA>G]GAAAAGATTCCGGGGACATGTCTGTTCGAAGCAAATCGAGAGCTCCCCTCAGCAGTAGCA-3'

ClinVar aggregate classification (germline): Uncertain significance (1 of 4 stars; one submission).

Submission:

GeneDx
Classification: Uncertain significance. Last evaluated: 2023-06-05. Review status: criteria provided, single submitter. Criteria: GeneDx Variant Classification Process June 2021. Collection method: clinical testing. Allele origin: germline. Affected: yes.
Comment: Not observed at significant frequency in large population cohorts (gnomAD); In-frame deletion of 1 amino acids in a non-repeat region; In silico analysis supports a deleterious effect on protein structure/function; Has not been previously published as pathogenic or benign to our knowledge